The following is an entry in ClinVar:

NM_000326.5(RLBP1):c.269A>G (p.Glu90Gly)

Gene: RLBP1 (retinaldehyde binding protein 1; minus strand). Cytogenetic location: 15q26.1.
Variant type: single nucleotide variant.
Coding change: c.269A>G on transcript NM_000326.5 (MANE Select); coding-DNA position 269, A replaced by G.
Protein change: p.Glu90Gly; replaces glutamic acid 90 with glycine.
Molecular consequence: missense variant.
Genome position (GRCh38, 1-based): chr15:89,217,197, T>C on the plus strand (A>G on the coding strand, the complement: RLBP1 is on the minus strand). VCF-style: chr15-89217197-T-C. GRCh37 (hg19) VCF-style: chr15-89760428-T-C.
Other names: c.269A>G (NM_000326.4); short protein forms E90G.
Identifiers: ClinVar variation 1500900 (VCV001500900.6), dbSNP rs976229803, ClinGen allele CA274535520.

ClinVar aggregate classification (germline): Conflicting classifications of pathogenicity. Review status: criteria provided, conflicting classifications (1 of 4 stars). 3 submissions from 3 submitters: Uncertain significance (2); Likely benign (1). Last evaluated 2025-12-30.

Conditions:
Inborn genetic diseases. Identifiers: MedGen C0950123, MeSH D030342.
Pigmentary retinal dystrophy. Also called: Fundus albipunctatus. Identifiers: Orphanet 227796, Orphanet 52427, MedGen C0311338, MONDO:0007639, OMIM 136880, HP:0030642.

Allele frequency attached by ClinVar (database versions not stated): gnomAD exomes below 0.00001 and 0.00001; gnomAD 0.00004; TOPMed 0.00004.
gnomAD v4.1: 8 of 1,613,734 alleles (0.0005%); highest among the groups gnomAD compares: African/African-American, 0.008%; no homozygotes.

Submissions (3):

Dasa
Classification: Uncertain significance for fundus albipunctatus. Last evaluated: 2025-12-30. Review status: criteria provided, single submitter. Criteria: DASA Assertion Criteria. Collection method: clinical testing. Allele origin: germline.
Comment: NM_000326.5(RLBP1):c.269A>G (p.Glu90Gly) is a missense variant that results in the substitution of glutamic acid with glycine. This variant is rare in population databases. Computational prediction algorithms are consistent with a benign effect. The currently available literature and clinical evidence are not sufficient to establish a definitive association between this variant and the reported condition. Therefore, this variant is classified as a variant of uncertain significance.

Ambry Genetics
Classification: Likely benign for Inborn genetic diseases. Last evaluated: 2025-10-22. Review status: criteria provided, single submitter. Criteria: Ambry Variant Classification Scheme 2023. Collection method: clinical testing. Allele origin: germline.

Labcorp Genetics (formerly Invitae), Labcorp
Classification: Uncertain significance. Last evaluated: 2022-06-27. Review status: criteria provided, single submitter. Criteria: Invitae Variant Classification Sherloc (09022015). Collection method: clinical testing. Allele origin: germline.
Comment: This sequence change replaces glutamic acid, which is acidic and polar, with glycine, which is neutral and non-polar, at codon 90 of the RLBP1 protein (p.Glu90Gly). This variant is present in population databases (no rsID available, gnomAD 0.008%). This variant has not been reported in the literature in individuals affected with RLBP1-related conditions. Algorithms developed to predict the effect of missense changes on protein structure and function output the following: SIFT: "Tolerated"; PolyPhen-2: "Benign"; Align-GVGD: "Class C0". The glycine amino acid residue is found in multiple mammalian species, which suggests that this missense change does not adversely affect protein function. In summary, the available evidence is currently insufficient to determine the role of this variant in disease. Therefore, it has been classified as a Variant of Uncertain Significance.